The following is an entry in ClinVar:

ClinVar aggregate classification (germline): Uncertain significance (1 of 4 stars; one submission).

Allele frequency attached by ClinVar (database versions not stated): gnomAD 0.00001; TOPMed 0.00002.
gnomAD v4.1: 5 of 1,614,066 alleles (0.00031%); highest among the groups gnomAD compares: Admixed American, 0.0017%; no homozygotes.

Submission:

Labcorp Genetics (formerly Invitae), Labcorp
Classification: Uncertain significance. Last evaluated: 2025-06-12. Review status: criteria provided, single submitter. Criteria: Invitae Variant Classification Sherloc (09022015). Collection method: clinical testing. Allele origin: germline.
Comment: This sequence change replaces aspartic acid, which is acidic and polar, with glycine, which is neutral and non-polar, at codon 1109 of the NIN protein (p.Asp1109Gly). This variant is present in population databases (no rsID available, gnomAD 0.003%). This variant has not been reported in the literature in individuals affected with NIN-related conditions. ClinVar contains an entry for this variant (Variation ID: 2989592). An algorithm developed to predict the effect of missense changes on protein structure and function outputs the following: PolyPhen-2: "Possibly Damaging". The glycine amino acid residue is found in multiple mammalian species, which suggests that this missense change does not adversely affect protein function. In summary, the available evidence is currently insufficient to determine the role of this variant in disease. Therefore, it has been classified as a Variant of Uncertain Significance.

NM_020921.4(NIN):c.3326A>G (p.Asp1109Gly)

Gene: NIN (ninein; minus strand). Cytogenetic location: 14q22.1.
Variant type: single nucleotide variant.
Coding change: c.3326A>G on transcript NM_020921.4 (MANE Select); coding-DNA position 3326, A replaced by G.
Protein change: p.Asp1109Gly; replaces aspartic acid 1109 with glycine.
Molecular consequence: missense variant. On other transcripts: intron variant (1).
Genome position (GRCh38, 1-based): chr14:50,757,704, T>C on the plus strand (A>G on the coding strand, the complement: NIN is on the minus strand). VCF-style: chr14-50757704-T-C. GRCh37 (hg19) VCF-style: chr14-51224422-T-C.
Other names: c.3326A>G, p.Asp1109Gly (NM_182944.3, NM_182946.2); c.2399+2153A>G (NM_016350.5); short protein forms D1109G.
Identifiers: ClinVar variation 2989592 (VCV002989592.3), dbSNP rs797045742, ClinGen allele CA389697977.